The following is an entry in ClinVar:

ClinVar aggregate classification (germline): Uncertain significance (1 of 4 stars; one submission).

Conditions:
Singleton-Merten syndrome 1 (SGMRT1). Also called: Widened medullary cavities of bone, aortic calcification, abnormal dentition, and muscular weakness; Syndrome of widened medullary cavities of the metacarpals and phalanges, aortic calcification and abnormal dentition. Identifiers: Orphanet 85191, MedGen C4225427, MONDO:0024535, OMIM 182250.
Aicardi-Goutieres syndrome 7 (AGS7). Identifiers: Orphanet 51, MedGen C3888244, MONDO:0014367, OMIM 615846.

Submission:

Labcorp Genetics (formerly Invitae), Labcorp
Classification: Uncertain significance for Aicardi-Goutieres syndrome 7; Singleton-Merten syndrome 1. Last evaluated: 2022-06-19. Review status: criteria provided, single submitter. Criteria: Invitae Variant Classification Sherloc (09022015). Collection method: clinical testing. Allele origin: germline.
Comment: This sequence change replaces glycine, which is neutral and non-polar, with valine, which is neutral and non-polar, at codon 334 of the IFIH1 protein (p.Gly334Val). This variant is not present in population databases (gnomAD no frequency). This variant has not been reported in the literature in individuals affected with IFIH1-related conditions. This missense change has been observed in at least one individual who was not affected with IFIH1-related conditions (Invitae). Algorithms developed to predict the effect of missense changes on protein structure and function (SIFT, PolyPhen-2, Align-GVGD) all suggest that this variant is likely to be disruptive. In summary, the available evidence is currently insufficient to determine the role of this variant in disease. Therefore, it has been classified as a Variant of Uncertain Significance.

NM_022168.4(IFIH1):c.1001G>T (p.Gly334Val)

Gene: IFIH1 (interferon induced with helicase C domain 1; minus strand). Cytogenetic location: 2q24.2.
Variant type: single nucleotide variant.
Coding change: c.1001G>T on transcript NM_022168.4 (MANE Select); coding-DNA position 1001, G replaced by T.
Protein change: p.Gly334Val; replaces glycine 334 with valine.
Molecular consequence: missense variant.
Genome position (GRCh38, 1-based): chr2:162,288,229, C>A on the plus strand (G>T on the coding strand, the complement: IFIH1 is on the minus strand). VCF-style: chr2-162288229-C-A. GRCh37 (hg19) VCF-style: chr2-163144739-C-A.
Other names: short protein forms G334V.
Identifiers: ClinVar variation 1501997 (VCV001501997.8), dbSNP rs2105208967, ClinGen allele CA349004723.
Genomic context (GRCh38, chr2:162,288,229, plus strand): 5'-GATGCTTTTTTCTTCTTGTCTAAGTGATCCTTGGCAATGTAAACAGCCACTCTGGTTTTT[C>A]CACTCCCTGTAGGGAGGCAGATGATGATATTCTTCCCTTCCAAGGCTGGCTGGGCAACTT-3'
Protein context (NP_071451.2, residues 324-344): NIIICLPTGS[Gly334Val]KTRVAVYIAK